The following is an entry in ClinVar:

NM_000286.3(PEX12):c.374A>T (p.Tyr125Phe)

Gene: PEX12 (peroxisomal biogenesis factor 12; minus strand). Cytogenetic location: 17q12.
Variant type: single nucleotide variant.
Coding change: c.374A>T on transcript NM_000286.3 (MANE Select); coding-DNA position 374, A replaced by T.
Protein change: p.Tyr125Phe; replaces tyrosine 125 with phenylalanine.
Molecular consequence: missense variant.
Genome position (GRCh38, 1-based): chr17:35,577,344, T>A on the plus strand (A>T on the coding strand, the complement: PEX12 is on the minus strand). VCF-style: chr17-35577344-T-A. GRCh37 (hg19) VCF-style: chr17-33904363-T-A.
Other names: short protein forms Y125F.
Identifiers: ClinVar variation 2106734 (VCV002106734.4), dbSNP rs1295650008, ClinGen allele CA399138267.

ClinVar aggregate classification (germline): Uncertain significance (1 of 4 stars; one submission).

Conditions:
Peroxisome biogenesis disorder 3A (Zellweger). Also called: PEROXISOMAL BIOGENESIS DISORDER 3A (ZELLWEGER); Peroxisome biogenesis disorder 3A. Identifiers: Orphanet 912, MedGen C3553929, MONDO:0013927, OMIM 614859.

Submission:

Labcorp Genetics (formerly Invitae), Labcorp
Classification: Uncertain significance for Peroxisome biogenesis disorder 3A (Zellweger). Last evaluated: 2022-03-18. Review status: criteria provided, single submitter. Criteria: Invitae Variant Classification Sherloc (09022015). Collection method: clinical testing. Allele origin: germline.
Comment: This sequence change replaces tyrosine, which is neutral and polar, with phenylalanine, which is neutral and non-polar, at codon 125 of the PEX12 protein (p.Tyr125Phe). This variant is not present in population databases (gnomAD no frequency). This variant has not been reported in the literature in individuals affected with PEX12-related conditions. Algorithms developed to predict the effect of missense changes on protein structure and function are either unavailable or do not agree on the potential impact of this missense change (SIFT: "Deleterious"; PolyPhen-2: "Probably Damaging"; Align-GVGD: "Class C15"). In summary, the available evidence is currently insufficient to determine the role of this variant in disease. Therefore, it has been classified as a Variant of Uncertain Significance.